The following is an entry in ClinVar:

NM_000069.3(CACNA1S):c.3095G>C (p.Gly1032Ala)

Gene: CACNA1S (calcium voltage-gated channel subunit alpha1 S; minus strand). Cytogenetic location: 1q32.1.
Variant type: single nucleotide variant.
Coding change: c.3095G>C on transcript NM_000069.3 (MANE Select); coding-DNA position 3095, G replaced by C.
Protein change: p.Gly1032Ala; replaces glycine 1032 with alanine.
Molecular consequence: missense variant.
Genome position (GRCh38, 1-based): chr1:201,061,427, C>G on the plus strand (G>C on the coding strand, the complement: CACNA1S is on the minus strand). VCF-style: chr1-201061427-C-G. GRCh37 (hg19) VCF-style: chr1-201030555-C-G.
Other names: short protein forms G1032A.
Identifiers: ClinVar variation 3386338 (VCV003386338.1).

ClinVar aggregate classification (germline): Uncertain significance (1 of 4 stars; one submission).

Conditions:
Malignant hyperthermia, susceptibility to, 5 (MHS5). Also called: CACNA1S-Related Malignant Hyperthermia Susceptibility. Identifiers: Orphanet 423, MedGen C1866077, MONDO:0011163, OMIM 601887.

Submission:

All of Us Research Program, National Institutes of Health
Classification: Uncertain significance for Malignant hyperthermia, susceptibility to, 5. Last evaluated: 2024-08-30. Review status: criteria provided, single submitter. Criteria: ACMG Guidelines, 2015. Collection method: clinical testing. Allele origin: germline. Inheritance: Autosomal dominant inheritance. Observed: 1 variant allele, 1 heterozygote.
Comment: This study involves interpretation of variants in research participants for the purpose of population health screening. Participant phenotype was not available at the time of variant classification. Additional details can be found in publication PMID: 35346344, PMCID: PMC8962531